The following is an entry in ClinVar:

NM_006947.4(SRP72):c.1898C>T (p.Thr633Ile)

Gene: SRP72 (signal recognition particle 72; plus strand). Cytogenetic location: 4q12.
Variant type: single nucleotide variant.
Coding change: c.1898C>T on transcript NM_006947.4 (MANE Select); coding-DNA position 1898, C replaced by T.
Protein change: p.Thr633Ile; replaces threonine 633 with isoleucine.
Molecular consequence: missense variant. On other transcripts: non-coding transcript variant (1).
Genome position (GRCh38, 1-based): chr4:56,501,743, C>T. VCF-style: chr4-56501743-C-T. GRCh37 (hg19) VCF-style: chr4-57367909-C-T.
Other names: c.1715C>T, p.Thr572Ile (NM_001267722.2); short protein forms T572I, T633I.
Identifiers: ClinVar variation 3801501 (VCV003801501.1).
Genomic context (GRCh38, chr4:56,501,743, plus strand): 5'-GGGATGCCAGTAAAACTGTGAGCAGCCCACCCACCTCCCCAAGACCTGGCAGTGCTGCAA[C>T]AGTATCTGCCTCTACAAGTAACATCATACCCCCAAGACACCAGAAACCTGCAGGGGCTCC-3'
Protein context (NP_008878.3, residues 623-643): PTSPRPGSAA[Thr633Ile]VSASTSNIIP

ClinVar aggregate classification (germline): Uncertain significance (1 of 4 stars; one submission).

gnomAD v4.1: 1 of 1,614,048 alleles (0.000062%); highest among the groups gnomAD compares: South Asian, 0.0011%; no homozygotes.

Submission:

Ambry Genetics
Classification: Uncertain significance. Last evaluated: 2025-02-22. Review status: criteria provided, single submitter. Criteria: Ambry Variant Classification Scheme 2023. Collection method: clinical testing. Allele origin: germline.
Comment: The p.T633I variant (also known as c.1898C>T), located in coding exon 19 of the SRP72 gene, results from a C to T substitution at nucleotide position 1898. The threonine at codon 633 is replaced by isoleucine, an amino acid with similar properties. This amino acid position is conserved. In addition, this alteration is predicted to be tolerated by in silico analysis. Based on the available evidence, the clinical significance of this variant remains unclear.